The following is an entry in ClinVar:

ClinVar aggregate classification (germline): Likely benign. Review status: criteria provided, multiple submitters, no conflicts (2 of 4 stars). 6 submissions from 6 submitters: Likely benign (5). 1 of the submissions does not count toward it. Last evaluated 2026-01-21.

Conditions:
Autosomal recessive inherited pseudoxanthoma elasticum (PXE). Identifiers: Orphanet 758, MedGen CN032334, MONDO:0009925, OMIM 264800.
Pseudoxanthoma elasticum, forme fruste. Also called: Pseudoxanthoma Elasticum, Incomplete; PSEUDOXANTHOMA ELASTICUM, HETEROZYGOUS. Identifiers: Orphanet 758, MedGen C1867450, MONDO:0008333, OMIM 177850.
Arterial calcification, generalized, of infancy, 2. Identifiers: Orphanet 51608, MedGen C3276161, MONDO:0013768, OMIM 614473.
ABCC6-related disorder. Also called: ABCC6-related condition.

Allele frequency attached by ClinVar (database versions not stated): ESP Exome Variant Server 0.00015; 1000 Genomes Project 30x 0.00016; TOPMed 0.00016; 1000 Genomes Project 0.00020; gnomAD exomes 0.00022; gnomAD 0.00024 and 0.00025; ExAC 0.00028.
gnomAD v4.1: 258 of 1,613,992 alleles (0.016%); highest among the groups gnomAD compares: South Asian, 0.14%; 6 homozygotes.

Submissions (6):

Labcorp Genetics (formerly Invitae), Labcorp
Classification: Likely benign. Last evaluated: 2026-01-21. Review status: criteria provided, single submitter. Criteria: Invitae Variant Classification Sherloc (09022015). Collection method: clinical testing. Allele origin: germline.

CeGaT Center for Human Genetics Tuebingen
Classification: Likely benign. Last evaluated: 2024-12-01. Review status: criteria provided, single submitter. Criteria: CeGaT Center For Human Genetics Tuebingen Variant Classification Criteria Version 2. Collection method: clinical testing. Allele origin: germline. Affected: yes. Observed: 1 variant allele.
Comment: ABCC6: BP4, BP7

Blueprint Genetics
Classification: Likely benign. Last evaluated: 2024-11-05. Review status: criteria provided, single submitter. Criteria: ACMG Guidelines, 2015. Collection method: clinical testing. Allele origin: germline.

Fulgent Genetics
Classification: Likely benign for Pseudoxanthoma elasticum, forme fruste; Autosomal recessive inherited pseudoxanthoma elasticum; Arterial calcification, generalized, of infancy, 2. Last evaluated: 2021-11-27. Review status: criteria provided, single submitter. Criteria: ACMG Guidelines, 2015. Collection method: clinical testing. Allele origin: unknown.

Breakthrough Genomics
Classification: Likely benign. Review status: criteria provided, single submitter. Criteria: ACMG Guidelines, 2015. Collection method: not provided. Allele origin: germline. Inheritance: Autosomal recessive inheritance. Affected: yes.

PreventionGenetics, part of Exact Sciences
Classification: Likely benign for ABCC6-related condition. Last evaluated: 2024-06-26. Review status: no assertion criteria provided. Collection method: clinical testing. Allele origin: germline. Not counted in ClinVar's aggregate classification.
Comment: This variant is classified as likely benign based on ACMG/AMP sequence variant interpretation guidelines (Richards et al. 2015 PMID: 25741868, with internal and published modifications).

NM_001171.6(ABCC6):c.3564G>A (p.Thr1188=)

Gene: ABCC6 (ATP binding cassette subfamily C member 6; minus strand). Cytogenetic location: 16p13.11.
Variant type: single nucleotide variant.
Coding change: c.3564G>A on transcript NM_001171.6 (MANE Select); coding-DNA position 3564, G replaced by A.
Protein change: p.Thr1188=; no amino-acid change (threonine 1188 retained).
Molecular consequence: synonymous variant. On other transcripts: non-coding transcript variant (1).
Genome position (GRCh38, 1-based): chr16:16,161,507, C>T on the plus strand (G>A on the coding strand, the complement: ABCC6 is on the minus strand). VCF-style: chr16-16161507-C-T. GRCh37 (hg19) VCF-style: chr16-16255364-C-T.
Other names: c.3222G>A, p.Thr1074= (NM_001351800.1).
Identifiers: ClinVar variation 717742 (VCV000717742.27), dbSNP rs58494932, ClinGen allele CA7925528.